The following is an entry in ClinVar:

ClinVar aggregate classification (germline): Likely benign. Review status: reviewed by expert panel (3 of 4 stars). 4 submissions from 3 submitters: Likely benign (1). 3 of the submissions do not count toward it. Last evaluated 2025-11-12.

Conditions:
Glaucoma 1, open angle, A (GLC1A). Also called: Glaucoma, Dominant (Juvenile Onset). Identifiers: Orphanet 98977, MedGen C1842028, MONDO:0007664, OMIM 137750.
Glaucoma. Identifiers: MedGen C0017601, MONDO:0005041, HP:0000501.
MYOC-related disorder. Also called: MYOC-related condition; MYOC-related disorders. Identifiers: MedGen CN239330.
Open-angle glaucoma. Identifiers: MedGen C0017612, MONDO:0005338, HP:0012108.

Allele frequency attached by ClinVar (database versions not stated): ExAC 0.00026; 1000 Genomes Project 0.00140; gnomAD 0.00009 and 0.00015; gnomAD exomes 0.00031 and 0.00008; 1000 Genomes Project 30x 0.00141; TOPMed 0.00018.
gnomAD v4.1: 146 of 1,614,188 alleles (0.009%); highest among the groups gnomAD compares: East Asian, 0.27%; 1 homozygote.

Submissions (4):

ClinGen Glaucoma Variant Curation Expert Panel
Classification: Likely benign for Open-angle glaucoma. Last evaluated: 2025-11-12. Review status: reviewed by expert panel. Criteria: ClinGen Glaucoma ACMG Specifications V2.0.0 Approved. Collection method: curation. Allele origin: germline. Inheritance: Autosomal dominant inheritance.
Comment: The c.369C>T variant in MYOC is a synonymous variant (p.Thr123=). The highest minor allele frequency of this variant was in the East Asian genetic ancestry group of gnomAD (v4.1.0) = 0.002718, which met the ≥ 0.001 threshold set for BS1 (122 alleles out of 44,884), meeting the threshold of ≥ 5 of at least 2,000 observed alleles). The SpliceAI score = 0, which met the ≤ 0.1 threshold for BP4, suggesting that the variant does not impact MYOC function. This synonymous variant meets BP4, so BP7 is met.Although probands with juvenile or primary open angle glaucoma have been reported carrying this variant, PM2_Supporting was not met, therefore PS4 did not apply. In summary, this variant met the criteria to receive a score of -6 and to be classified as likely benign (likely benign classification range -2 to -6, adapted from PMID: 32720330) for primary open angle glaucoma based on the ACMG/AMP criteria met, as specified by the ClinGen Glaucoma VCEP (v2.0.0, 5 Dec 2024): BS1, BP4, BP7.

Illumina Laboratory Services, Illumina
Classification: Uncertain significance for Glaucoma 1, open angle, A. Last evaluated: 2018-01-13. Review status: criteria provided, single submitter. Criteria: ICSL Variant Classification Criteria 13 December 2019. Collection method: clinical testing. Allele origin: germline. Not counted in ClinVar's aggregate classification.

Illumina Laboratory Services, Illumina
Classification: Uncertain significance for Glaucoma. Last evaluated: 2018-01-13. Review status: criteria provided, single submitter. Criteria: ICSL Variant Classification Criteria 13 December 2019. Collection method: clinical testing. Allele origin: germline. Not counted in ClinVar's aggregate classification.

PreventionGenetics, part of Exact Sciences
Classification: Likely benign for MYOC-related condition. Last evaluated: 2019-06-18. Review status: no assertion criteria provided. Collection method: clinical testing. Allele origin: germline. Not counted in ClinVar's aggregate classification.
Comment: This variant is classified as likely benign based on ACMG/AMP sequence variant interpretation guidelines (Richards et al. 2015 PMID: 25741868, with internal and published modifications).

NM_000261.2(MYOC):c.369C>T (p.Thr123=)

Gene: MYOC (myocilin; minus strand). Cytogenetic location: 1q24.3.
Variant type: single nucleotide variant.
Coding change: c.369C>T on transcript NM_000261.2 (MANE Select); coding-DNA position 369, C replaced by T.
Protein change: p.Thr123=; no amino-acid change (threonine 123 retained).
Molecular consequence: synonymous variant.
Genome position (GRCh38, 1-based): chr1:171,652,243, G>A on the plus strand (C>T on the coding strand, the complement: MYOC is on the minus strand). VCF-style: chr1-171652243-G-A. GRCh37 (hg19) VCF-style: chr1-171621383-G-A.
Other names: NM_000261.2:c.369C>T.
Identifiers: ClinVar variation 874205 (VCV000874205.12), dbSNP rs75682756, ClinGen allele CA1244290.